The following is an entry in ClinVar:

ClinVar aggregate classification (germline): Uncertain significance (1 of 4 stars; one submission).

Submission:

Quest Diagnostics Nichols Institute San Juan Capistrano
Classification: Uncertain significance. Last evaluated: 2024-02-28. Review status: criteria provided, single submitter. Criteria: Quest Diagnostics criteria. Collection method: clinical testing. Allele origin: unknown.
Comment: The THRB c.1325T>G (p.Met442Arg) variant has not been reported in individuals with THRB-related conditions in the published literature. It also has not been reported in large, multi-ethnic general populations (Genome Aggregation Database). Analysis of this variant using bioinformatics tools for the prediction of the effect of amino acid changes on protein structure and function yielded conflicting predictions that this variant is deleterious or benign. Based on the available information, we are unable to determine the clinical significance of this variant.

NM_001354712.2(THRB):c.1325T>G (p.Met442Arg)

Gene: THRB (thyroid hormone receptor beta; minus strand). Cytogenetic location: 3p24.2.
Variant type: single nucleotide variant.
Coding change: c.1325T>G on transcript NM_001354712.2 (MANE Select); coding-DNA position 1325, T replaced by G.
Protein change: p.Met442Arg; replaces methionine 442 with arginine.
Molecular consequence: missense variant.
Genome position (GRCh38, 1-based): chr3:24,122,945, A>C on the plus strand (T>G on the coding strand, the complement: THRB is on the minus strand). VCF-style: chr3-24122945-A-C. GRCh37 (hg19) VCF-style: chr3-24164436-A-C.
Other names: c.1325T>G, p.Met442Arg (NM_000461.5, NM_001128176.3, NM_001128177.2 and 11 more transcripts); c.1232T>G, p.Met411Arg (NM_001354714.2, NM_001354715.2); c.1154T>G, p.Met385Arg (NM_001374827.1); short protein forms M442R, M411R, M385R.
Identifiers: ClinVar variation 3572086 (VCV003572086.1).